The following is an entry in ClinVar:

ClinVar aggregate classification (germline): Uncertain significance (1 of 4 stars; one submission).

Allele frequency attached by ClinVar (database versions not stated): gnomAD exomes below 0.00001; TOPMed below 0.00001.

Submission:

Labcorp Genetics (formerly Invitae), Labcorp
Classification: Uncertain significance. Last evaluated: 2021-08-07. Review status: criteria provided, single submitter. Criteria: Invitae Variant Classification Sherloc (09022015). Collection method: clinical testing. Allele origin: germline.
Comment: This variant has not been reported in the literature in individuals affected with PLEKHM2-related conditions. This variant is not present in population databases (ExAC no frequency). This sequence change replaces leucine with phenylalanine at codon 747 of the PLEKHM2 protein (p.Leu747Phe). The leucine residue is highly conserved and there is a small physicochemical difference between leucine and phenylalanine. In summary, the available evidence is currently insufficient to determine the role of this variant in disease. Therefore, it has been classified as a Variant of Uncertain Significance. Algorithms developed to predict the effect of missense changes on protein structure and function are either unavailable or do not agree on the potential impact of this missense change (SIFT: "Deleterious"; PolyPhen-2: "Probably Damaging"; Align-GVGD: "Class C0").

NM_015164.4(PLEKHM2):c.2239C>T (p.Leu747Phe)

Gene: PLEKHM2 (pleckstrin homology and RUN domain containing M2; plus strand). Cytogenetic location: 1p36.21.
Variant type: single nucleotide variant.
Coding change: c.2239C>T on transcript NM_015164.4 (MANE Select); coding-DNA position 2239, C replaced by T.
Protein change: p.Leu747Phe; replaces leucine 747 with phenylalanine.
Molecular consequence: missense variant.
Genome position (GRCh38, 1-based): chr1:15,730,562, C>T. VCF-style: chr1-15730562-C-T. GRCh37 (hg19) VCF-style: chr1-16057057-C-T.
Other names: short protein forms L747F.
Identifiers: ClinVar variation 1503467 (VCV001503467.6), dbSNP rs2068127084, ClinGen allele CA338570530.